The following is an entry in ClinVar:

NM_020812.4(DOCK6):c.6108_6110del (p.Leu2037del)

Gene: DOCK6 (dedicator of cytokinesis 6; minus strand). Cytogenetic location: 19p13.2.
Variant type: Deletion.
Coding change: c.6108_6110del on transcript NM_020812.4 (MANE Select); coding-DNA positions 6108 to 6110, 3 bases deleted (CTT; older notation c.6108_6110delCTT).
Protein change: p.Leu2037del; deletes leucine 2037.
Molecular consequence: inframe deletion.
Genome position (GRCh38, 1-based): chr19:11,199,531-11,199,533, AAG deleted on the plus strand (CTT on the coding strand, the reverse complement: DOCK6 is on the minus strand). VCF-style (leftmost placement, unchanged base first): chr19-11199530-CAAG-C. GRCh37 (hg19) VCF-style: chr19-11310206-CAAG-C.
Other names: c.6213_6215del, p.Leu2072del (NM_001367830.1); short protein forms L2072del, L2037del.
Identifiers: ClinVar variation 2193226 (VCV002193226.4), dbSNP rs376373663, ClinGen allele CA305301531.

ClinVar aggregate classification (germline): Uncertain significance. Review status: criteria provided, multiple submitters, no conflicts (2 of 4 stars). 2 submissions from 2 submitters: Uncertain significance (2). Last evaluated 2022-06-01.

Allele frequency attached by ClinVar (database versions not stated): gnomAD 0.00001; gnomAD exomes 0.00001; TOPMed 0.00002.

Submissions (2):

Labcorp Genetics (formerly Invitae), Labcorp
Classification: Uncertain significance. Last evaluated: 2022-06-01. Review status: criteria provided, single submitter. Criteria: Invitae Variant Classification Sherloc (09022015). Collection method: clinical testing. Allele origin: germline.
Comment: In summary, the available evidence is currently insufficient to determine the role of this variant in disease. Therefore, it has been classified as a Variant of Uncertain Significance. Experimental studies and prediction algorithms are not available or were not evaluated, and the functional significance of this variant is currently unknown. This variant has not been reported in the literature in individuals affected with DOCK6-related conditions. This variant is not present in population databases (gnomAD no frequency). This variant, c.6108_6110del, results in the deletion of 1 amino acid(s) of the DOCK6 protein (p.Leu2037del), but otherwise preserves the integrity of the reading frame.

Blueprint Genetics
Classification: Uncertain significance. Last evaluated: 2019-08-03. Review status: criteria provided, single submitter. Criteria: ACMG Guidelines, 2015. Collection method: clinical testing. Allele origin: germline.